The following is an entry in ClinVar:

NM_016011.5(MECR):c.80A>T (p.His27Leu)

Gene: MECR (mitochondrial trans-2-enoyl-CoA reductase; minus strand). Cytogenetic location: 1p35.3.
Variant type: single nucleotide variant.
Coding change: c.80A>T on transcript NM_016011.5 (MANE Select); coding-DNA position 80, A replaced by T.
Protein change: p.His27Leu; replaces histidine 27 with leucine.
Molecular consequence: missense variant. On other transcripts: 5 prime UTR variant (6), non-coding transcript variant (4).
Genome position (GRCh38, 1-based): chr1:29,230,827, T>A on the plus strand (A>T on the coding strand, the complement: MECR is on the minus strand). VCF-style: chr1-29230827-T-A. GRCh37 (hg19) VCF-style: chr1-29557339-T-A.
Other names: c.-276A>T (NM_001024732.4); c.-480A>T (NM_001349711.2); c.-481A>T (NM_001349712.2); c.-358A>T (NM_001349713.2); c.-270A>T (NM_001349714.2); c.80A>T, p.His27Leu (NM_001349715.2, NM_001349716.2); c.-63A>T (NM_001349717.2); short protein forms H27L.
Identifiers: ClinVar variation 1954392 (VCV001954392.2), dbSNP rs1042853691, ClinGen allele CA20035187.

ClinVar aggregate classification (germline): Uncertain significance (1 of 4 stars; one submission).

Allele frequency attached by ClinVar (database versions not stated): gnomAD 0.00001; TOPMed 0.00001.
gnomAD v4.1: 2 of 1,607,818 alleles (0.00012%); highest among the groups gnomAD compares: Non-Finnish European, 0.000085%; no homozygotes.

Submission:

Labcorp Genetics (formerly Invitae), Labcorp
Classification: Uncertain significance. Last evaluated: 2021-12-21. Review status: criteria provided, single submitter. Criteria: Invitae Variant Classification Sherloc (09022015). Collection method: clinical testing. Allele origin: germline.
Comment: This sequence change replaces histidine, which is basic and polar, with leucine, which is neutral and non-polar, at codon 27 of the MECR protein (p.His27Leu). This variant is not present in population databases (gnomAD no frequency). This variant has not been reported in the literature in individuals affected with MECR-related conditions. Algorithms developed to predict the effect of missense changes on protein structure and function (SIFT, PolyPhen-2, Align-GVGD) all suggest that this variant is likely to be tolerated. In summary, the available evidence is currently insufficient to determine the role of this variant in disease. Therefore, it has been classified as a Variant of Uncertain Significance.